The following is an entry in ClinVar:

ClinVar aggregate classification (germline): Uncertain significance (1 of 4 stars; one submission).

Submission:

Ambry Genetics
Classification: Uncertain significance. Last evaluated: 2025-03-11. Review status: criteria provided, single submitter. Criteria: Ambry Variant Classification Scheme 2023. Collection method: clinical testing. Allele origin: germline.
Comment: The p.S75P variant (also known as c.223T>C), located in coding exon 1 of the EGLN1 gene, results from a T to C substitution at nucleotide position 223. The serine at codon 75 is replaced by proline, an amino acid with similar properties. This amino acid position is conserved. In addition, this alteration is predicted to be tolerated by in silico analysis. Based on the available evidence, the clinical significance of this variant remains unclear.

NM_022051.3(EGLN1):c.223T>C (p.Ser75Pro)

Gene: EGLN1 (egl-9 family hypoxia inducible factor 1; minus strand). Cytogenetic location: 1q42.2.
Variant type: single nucleotide variant.
Coding change: c.223T>C on transcript NM_022051.3 (MANE Select); coding-DNA position 223, T replaced by C.
Protein change: p.Ser75Pro; replaces serine 75 with proline.
Molecular consequence: missense variant.
Genome position (GRCh38, 1-based): chr1:231,421,666, A>G on the plus strand (T>C on the coding strand, the complement: EGLN1 is on the minus strand). VCF-style: chr1-231421666-A-G. GRCh37 (hg19) VCF-style: chr1-231557412-A-G.
Other names: c.223T>C, p.Ser75Pro (NM_001377260.1, NM_001377261.1); short protein forms S75P.
Identifiers: ClinVar variation 3843896 (VCV003843896.1).